The following is an entry in ClinVar:

ClinVar aggregate classification (germline): Uncertain significance. Review status: criteria provided, multiple submitters, no conflicts (2 of 4 stars). 2 submissions from 2 submitters: Uncertain significance (2). Last evaluated 2023-12-15.

Conditions:
Inborn genetic diseases. Identifiers: MedGen C0950123, MeSH D030342.

Allele frequency attached by ClinVar (database versions not stated): gnomAD exomes below 0.00001.
gnomAD v4.1: 1 of 1,613,056 alleles (0.000062%); highest among the groups gnomAD compares: East Asian, 0.0022%; no homozygotes.

Submissions (2):

Ambry Genetics
Classification: Uncertain significance for Inborn genetic diseases. Last evaluated: 2023-12-15. Review status: criteria provided, single submitter. Criteria: Ambry Variant Classification Scheme 2023. Collection method: clinical testing. Allele origin: germline.

Labcorp Genetics (formerly Invitae), Labcorp
Classification: Uncertain significance. Last evaluated: 2022-12-05. Review status: criteria provided, single submitter. Criteria: Invitae Variant Classification Sherloc (09022015). Collection method: clinical testing. Allele origin: germline.
Comment: This sequence change replaces proline, which is neutral and non-polar, with serine, which is neutral and polar, at codon 330 of the KMT2E protein (p.Pro330Ser). This variant is present in population databases (no rsID available, gnomAD 0.006%). This variant has not been reported in the literature in individuals affected with KMT2E-related conditions. Advanced modeling of protein sequence and biophysical properties (such as structural, functional, and spatial information, amino acid conservation, physicochemical variation, residue mobility, and thermodynamic stability) performed at Invitae indicates that this missense variant is not expected to disrupt KMT2E protein function. In summary, the available evidence is currently insufficient to determine the role of this variant in disease. Therefore, it has been classified as a Variant of Uncertain Significance.

NM_182931.3(KMT2E):c.988C>T (p.Pro330Ser)

Gene: KMT2E (lysine methyltransferase 2E (inactive); plus strand). Cytogenetic location: 7q22.3.
Variant type: single nucleotide variant.
Coding change: c.988C>T on transcript NM_182931.3 (MANE Select); coding-DNA position 988, C replaced by T.
Protein change: p.Pro330Ser; replaces proline 330 with serine.
Molecular consequence: missense variant.
Genome position (GRCh38, 1-based): chr7:105,077,182, C>T. VCF-style: chr7-105077182-C-T. GRCh37 (hg19) VCF-style: chr7-104717629-C-T.
Other names: c.988C>T, p.Pro330Ser (NM_001410908.1, NM_018682.4); c.988C>T (NM_182931.2); short protein forms P330S.
Identifiers: ClinVar variation 2910557 (VCV002910557.4), dbSNP rs374380608, ClinGen allele CA368777902.